The following is an entry in ClinVar:

NM_172201.2(KCNE2):c.209G>A (p.Ser70Asn)

Genes: KCNE2 (potassium voltage-gated channel subfamily E regulatory subunit 2; plus strand), LOC105372791 (uncharacterized LOC105372791; minus strand). Cytogenetic location: 21q22.11.
Variant type: single nucleotide variant.
Coding change: c.209G>A on transcript NM_172201.2 (MANE Select); coding-DNA position 209, G replaced by A.
Protein change: p.Ser70Asn; replaces serine 70 with asparagine.
Molecular consequence: missense variant.
Genome position (GRCh38, 1-based): chr21:34,370,687, G>A. VCF-style: chr21-34370687-G-A. GRCh37 (hg19) VCF-style: chr21-35742986-G-A.
Other names: short protein forms S70N.
Identifiers: ClinVar variation 191164 (VCV000191164.50), dbSNP rs751931568, ClinGen allele CA236156.
Genomic context (GRCh38, chr21:34,370,687, plus strand): 5'-TCCTGTACCTCATGGTGATGATTGGAATGTTCTCTTTCATCATCGTGGCCATCCTGGTGA[G>A]CACTGTGAAATCCAAGAGACGGGAACACTCCAATGACCCCTACCACCAGTACATTGTAGA-3'
Protein context (NP_751951.1, residues 60-80): FSFIIVAILV[Ser70Asn]TVKSKRREHS

ClinVar aggregate classification (germline): Conflicting classifications of pathogenicity. Review status: criteria provided, conflicting classifications (1 of 4 stars). 4 submissions from 4 submitters: Likely pathogenic (1); Uncertain significance (3). Last evaluated 2022-07-19.

Conditions:
Long QT syndrome 6 (LQT6). Identifiers: Orphanet 101016, Orphanet 768, MedGen C3150953, MONDO:0013370, OMIM 613693.

Allele frequency attached by ClinVar (database versions not stated): ExAC 0.00002; gnomAD exomes 0.00002; TOPMed 0.00002; gnomAD 0.00003 and 0.00004.
gnomAD v4.1: 43 of 1,614,060 alleles (0.0027%); highest among the groups gnomAD compares: Middle Eastern, 0.23%; no homozygotes.

Submissions (4):

Labcorp Genetics (formerly Invitae), Labcorp
Classification: Uncertain significance for Long QT syndrome 6. Last evaluated: 2022-07-19. Review status: criteria provided, single submitter. Criteria: Invitae Variant Classification Sherloc (09022015). Collection method: clinical testing. Allele origin: germline.
Comment: This sequence change replaces serine, which is neutral and polar, with asparagine, which is neutral and polar, at codon 70 of the KCNE2 protein (p.Ser70Asn). This variant is present in population databases (rs751931568, gnomAD 0.005%). This variant has not been reported in the literature in individuals affected with KCNE2-related conditions. ClinVar contains an entry for this variant (Variation ID: 191164). Algorithms developed to predict the effect of missense changes on protein structure and function (SIFT, PolyPhen-2, Align-GVGD) all suggest that this variant is likely to be disruptive. In summary, the available evidence is currently insufficient to determine the role of this variant in disease. Therefore, it has been classified as a Variant of Uncertain Significance.

GeneDx
Classification: Uncertain significance. Last evaluated: 2020-02-03. Review status: criteria provided, single submitter. Criteria: GeneDx Variant Classification Process June 2021. Collection method: clinical testing. Allele origin: germline. Affected: yes.
Comment: Has not been previously published as pathogenic or benign to our knowledge; In silico analysis supports that this missense variant has a deleterious effect on protein structure/function; This variant is associated with the following publications: (PMID: 31589614)

CeGaT Center for Human Genetics Tuebingen
Classification: Uncertain significance. Last evaluated: 2016-05-01. Review status: criteria provided, single submitter. Criteria: CeGaT Center For Human Genetics Tuebingen Variant Classification Criteria Version 2. Collection method: clinical testing. Allele origin: germline. Affected: yes. Observed: 1 variant allele.

Genomic Medicine Center of Excellence, King Faisal Specialist Hospital and Research Centre
Classification: Likely pathogenic. Review status: criteria provided, single submitter. Criteria: ACMG Guidelines, 2015. Collection method: research. Allele origin: germline. Affected: yes.